The following is an entry in ClinVar:

ClinVar aggregate classification (germline): Uncertain significance. Review status: criteria provided, multiple submitters, no conflicts (2 of 4 stars). 2 submissions from 2 submitters: Uncertain significance (2). Last evaluated 2026-01-06.

Conditions:
FGFR2-related craniosynostosis. Identifiers: MedGen CN231480.

gnomAD v4.1: 1 of 1,614,156 alleles (0.000062%); highest among the groups gnomAD compares: South Asian, 0.0011%; no homozygotes.

Submissions (2):

Labcorp Genetics (formerly Invitae), Labcorp
Classification: Uncertain significance for FGFR2-related craniosynostosis. Last evaluated: 2026-01-06. Review status: criteria provided, single submitter. Criteria: Invitae Variant Classification Sherloc (09022015). Collection method: clinical testing. Allele origin: germline.
Comment: This sequence change replaces alanine, which is neutral and non-polar, with valine, which is neutral and non-polar, at codon 389 of the FGFR2 protein (p.Ala389Val). This variant is present in population databases (no rsID available, gnomAD 0.003%). This variant has not been reported in the literature in individuals affected with FGFR2-related conditions. ClinVar contains an entry for this variant (Variation ID: 4055830). Invitae Evidence Modeling of protein sequence and biophysical properties (such as structural, functional, and spatial information, amino acid conservation, physicochemical variation, residue mobility, and thermodynamic stability) indicates that this missense variant is not expected to disrupt FGFR2 protein function with a negative predictive value of 80%. In summary, the available evidence is currently insufficient to determine the role of this variant in disease. Therefore, it has been classified as a Variant of Uncertain Significance.

GeneDx
Classification: Uncertain significance. Last evaluated: 2025-01-06. Review status: criteria provided, single submitter. Criteria: GeneDx Variant Classification Process June 2021. Collection method: clinical testing. Allele origin: germline. Affected: yes.
Comment: Not observed at significant frequency in large population cohorts (gnomAD); In silico analysis indicates that this missense variant does not alter protein structure/function; Has not been previously published as pathogenic or benign germline variant to our knowledge; This variant is associated with the following publications: (PMID: 34046343)

NM_000141.5(FGFR2):c.1166C>T (p.Ala389Val)

Gene: FGFR2 (fibroblast growth factor receptor 2; minus strand). Cytogenetic location: 10q26.13.
Variant type: single nucleotide variant.
Coding change: c.1166C>T on transcript NM_000141.5 (MANE Select); coding-DNA position 1166, C replaced by T.
Protein change: p.Ala389Val; replaces alanine 389 with valine.
Molecular consequence: missense variant. On other transcripts: non-coding transcript variant (1), intron variant (1).
Genome position (GRCh38, 1-based): chr10:121,515,238, G>A on the plus strand (C>T on the coding strand, the complement: FGFR2 is on the minus strand). VCF-style: chr10-121515238-G-A. GRCh37 (hg19) VCF-style: chr10-123274752-G-A.
Other names: c.1169C>T, p.Ala390Val (NM_001144913.1, NM_022970.4); c.830C>T, p.Ala277Val (NM_001144914.1); c.899C>T, p.Ala300Val (NM_001144915.2, NM_023029.3); c.821C>T, p.Ala274Val (NM_001144916.2, NM_001144918.2); c.902C>T, p.Ala301Val (NM_001144919.2); c.482C>T, p.Ala161Val (NM_001320654.2); c.1166C>T, p.Ala389Val (NM_001320658.2); c.939+4741C>T (NM_001144917.2); short protein forms A274V, A301V, A389V, A390V, A300V, A161V, A277V.
Identifiers: ClinVar variation 4055830 (VCV004055830.2).